The following is an entry in ClinVar:

NM_007194.4(CHEK2):c.1442T>G (p.Leu481Ter)

Gene: CHEK2 (checkpoint kinase 2; minus strand). Cytogenetic location: 22q12.1.
Variant type: single nucleotide variant.
Coding change: c.1442T>G on transcript NM_007194.4 (MANE Select); coding-DNA position 1442, T replaced by G.
Protein change: p.Leu481Ter; replaces leucine 481 with a stop codon.
Molecular consequence: nonsense.
Genome position (GRCh38, 1-based): chr22:28,694,051, A>C on the plus strand (T>G on the coding strand, the complement: CHEK2 is on the minus strand). VCF-style: chr22-28694051-A-C. GRCh37 (hg19) VCF-style: chr22-29090039-A-C.
Other names: c.1241T>G, p.Leu414Ter (NM_001349956.3); c.1355T>G, p.Leu452Ter (NM_145862.3); c.1571T>G, p.Leu524Ter (NM_001005735.3); c.779T>G, p.Leu260Ter (NM_001257387.3); short protein forms L260*, L414*, L452*, L481*, L524*.
Identifiers: ClinVar variation 2584249 (VCV002584249.6), dbSNP rs2145784669, ClinGen allele CA411094087.

ClinVar aggregate classification (germline): Pathogenic. Review status: criteria provided, multiple submitters, no conflicts (2 of 4 stars). 3 submissions from 3 submitters: Pathogenic (3). Last evaluated 2024-03-19.

Conditions:
Hereditary cancer-predisposing syndrome. Also called: Hereditary neoplastic syndrome; Tumor predisposition; Hereditary Cancer Syndrome; Neoplastic Syndromes, Hereditary. Identifiers: Orphanet 140162, MedGen C0027672, MeSH D009386, MONDO:0015356.
Familial cancer of breast. Also called: BREAST CANCER, FAMILIAL; hereditary breast carcinoma; Hereditary breast cancer. Identifiers: Orphanet 227535, MedGen C0346153, MONDO:0016419, OMIM 114480. Disease mechanism: loss of function.

Submissions (3):

Labcorp Genetics (formerly Invitae), Labcorp
Classification: Pathogenic for Familial cancer of breast. Last evaluated: 2024-03-19. Review status: criteria provided, single submitter. Criteria: Invitae Variant Classification Sherloc (09022015). Collection method: clinical testing. Allele origin: germline.
Comment: This sequence change creates a premature translational stop signal (p.Leu481*) in the CHEK2 gene. It is expected to result in an absent or disrupted protein product. Loss-of-function variants in CHEK2 are known to be pathogenic (PMID: 21876083, 24713400). This variant is not present in population databases (gnomAD no frequency). This variant has not been reported in the literature in individuals affected with CHEK2-related conditions. ClinVar contains an entry for this variant (Variation ID: 2584249). For these reasons, this variant has been classified as Pathogenic.

Myriad Genetics, Inc.
Classification: Pathogenic for Familial cancer of breast. Last evaluated: 2023-06-28. Review status: criteria provided, single submitter. Criteria: Myriad Autosomal Dominant, Autosomal Recessive and X-Linked Classification Criteria (2023). Collection method: clinical testing. Allele origin: unknown.
Comment: This variant is considered pathogenic. This variant creates a termination codon and is predicted to result in premature protein truncation.

Ambry Genetics
Classification: Pathogenic for Hereditary cancer-predisposing syndrome. Last evaluated: 2023-06-20. Review status: criteria provided, single submitter. Criteria: Ambry Variant Classification Scheme 2023. Collection method: clinical testing. Allele origin: germline.
Comment: The p.L481* pathogenic mutation (also known as c.1442T>G), located in coding exon 12 of the CHEK2 gene, results from a T to G substitution at nucleotide position 1442. This changes the amino acid from a leucine to a stop codon within coding exon 12. This variant is considered to be rare based on population cohorts in the Genome Aggregation Database (gnomAD). This alteration is expected to result in loss of function by premature protein truncation or nonsense-mediated mRNA decay. As such, this alteration is interpreted as a disease-causing mutation.

Literature cited by the submitters: PubMed 21876083 (cited by Labcorp Genetics (formerly Invitae), Labcorp); PubMed 24713400 (cited by Labcorp Genetics (formerly Invitae), Labcorp).